The following is an entry in ClinVar:

NM_017514.5(PLXNA3):c.982C>T (p.Arg328Trp)

Gene: PLXNA3 (plexin A3; plus strand). Cytogenetic location: Xq28.
Variant type: single nucleotide variant.
Coding change: c.982C>T on transcript NM_017514.5 (MANE Select); coding-DNA position 982, C replaced by T.
Protein change: p.Arg328Trp; replaces arginine 328 with tryptophan.
Molecular consequence: missense variant.
Genome position (GRCh38, 1-based): chrX:154,461,486, C>T. VCF-style: chrX-154461486-C-T. GRCh37 (hg19) VCF-style: chrX-153689826-C-T.
Other names: short protein forms R328W.
Identifiers: ClinVar variation 3215577 (VCV003215577.3), dbSNP rs201909015, ClinGen allele CA10563873.

ClinVar aggregate classification (germline): Uncertain significance. Review status: criteria provided, multiple submitters, no conflicts (2 of 4 stars). 2 submissions from 2 submitters: Uncertain significance (2). Last evaluated 2025-08-14.

Conditions:
PLXNA3-related disorder. Also called: PLXNA3-related condition.

Allele frequency attached by ClinVar (database versions not stated): TOPMed 0.00004; ExAC 0.00003; gnomAD 0.00003.
gnomAD v4.1: 120 of 1,210,910 alleles (0.0099%); highest among the groups gnomAD compares: Non-Finnish European, 0.011%; no homozygotes.

Submissions (2):

Ambry Genetics
Classification: Uncertain significance. Last evaluated: 2025-08-14. Review status: criteria provided, single submitter. Criteria: Ambry Variant Classification Scheme 2023. Collection method: clinical testing. Allele origin: germline.

PreventionGenetics, part of Exact Sciences
Classification: Uncertain significance for PLXNA3-related condition. Last evaluated: 2025-01-24. Review status: criteria provided, single submitter. Criteria: ACMG Guidelines, 2015. Collection method: clinical testing. Allele origin: germline.
Comment: The PLXNA3 c.982C>T variant is predicted to result in the amino acid substitution p.Arg328Trp. To our knowledge, this variant has not been reported in the literature. This variant is reported in 0.0067% of alleles in individuals of East Asian descent in gnomAD. At this time, the clinical significance of this variant is uncertain due to the absence of conclusive functional and genetic evidence.